The following is an entry in ClinVar:

ClinVar aggregate classification (germline): Uncertain significance (1 of 4 stars; one submission).

Conditions:
Epidermolysis bullosa simplex 3, localized or generalized intermediate, with BP230 deficiency (EBS3). Also called: Epidermolysis bullosa simplex due to BP230 deficiency; Epidermolysis bullosa simplex, autosomal recessive 2. Identifiers: Orphanet 412181, MedGen C3809470, MONDO:0014180, OMIM 615425.
Hereditary sensory and autonomic neuropathy type 6. Also called: HSAN VI; Neuropathy, hereditary sensory and autonomic, type VI. Identifiers: Orphanet 314381, MedGen C3539003, MONDO:0013839, OMIM 614653.

gnomAD v4.1: 3 of 1,614,188 alleles (0.00019%); highest among the groups gnomAD compares: Non-Finnish European, 0.00025%; no homozygotes.

Submission:

Labcorp Genetics (formerly Invitae), Labcorp
Classification: Uncertain significance for Epidermolysis bullosa simplex 3, localized or generalized intermediate, with BP230 deficiency; Hereditary sensory and autonomic neuropathy type 6. Last evaluated: 2021-06-23. Review status: criteria provided, single submitter. Criteria: Invitae Variant Classification Sherloc (09022015). Collection method: clinical testing. Allele origin: germline.
Comment: In summary, the available evidence is currently insufficient to determine the role of this variant in disease. Therefore, it has been classified as a Variant of Uncertain Significance. Algorithms developed to predict the effect of missense changes on protein structure and function are either unavailable or do not agree on the potential impact of this missense change (SIFT: "Tolerated"; PolyPhen-2: "Possibly Damaging"; Align-GVGD: "Class C0"). This variant has not been reported in the literature in individuals with DST-related conditions. This variant is not present in population databases (ExAC no frequency). This sequence change replaces alanine with proline at codon 1210 of the DST protein (p.Ala1210Pro). The alanine residue is weakly conserved and there is a small physicochemical difference between alanine and proline.

NM_001723.7(DST):c.3628G>C (p.Ala1210Pro)

Gene: DST (dystonin; minus strand). Cytogenetic location: 6p12.1.
Variant type: single nucleotide variant.
Coding change: c.3628G>C on transcript NM_001723.7 (MANE Plus Clinical); coding-DNA position 3628, G replaced by C.
Protein change: p.Ala1210Pro; replaces alanine 1210 with proline.
Molecular consequence: missense variant. On other transcripts: intron variant (10).
Genome position (GRCh38, 1-based): chr6:56,620,406, C>G on the plus strand (G>C on the coding strand, the complement: DST is on the minus strand). VCF-style: chr6-56620406-C-G. GRCh37 (hg19) VCF-style: chr6-56485204-C-G.
Other names: c.4830+4124G>C (NM_001144769.5); c.4929+4124G>C (NM_001374722.1, NM_001374736.1); c.4956+4124G>C (NM_001374734.1); c.4416+4124G>C (NM_001144770.2); c.4296+4124G>C (NM_001374730.1, NM_001386100.1, NM_183380.4 and 1 more transcripts); c.3318+4124G>C (NM_015548.5); short protein forms A1210P.
Identifiers: ClinVar variation 1369196 (VCV001369196.8), dbSNP rs749433892, ClinGen allele CA364571489.
Genomic context (GRCh38, chr6:56,620,406, plus strand): 5'-CAGCTCTTTTAGCCTCGGCCTCTATGGTGAGCTGCCTCACCCGCTCCAGTTCTCTTTCAG[C>G]GGCTTCCTTCTCTCTCACAATGGTTTCAAGTTCCCTGCGGTACTGCTTGGCTTCACTTTC-3'
Protein context (NP_001714.1, residues 1200-1220): LETIVREKEA[Ala1210Pro]ERELERVRQL